The following is an entry in ClinVar:

ClinVar aggregate classification (germline): Conflicting classifications of pathogenicity. Review status: criteria provided, conflicting classifications (1 of 4 stars). 2 submissions from 2 submitters: Uncertain significance (1); Likely benign (1). Last evaluated 2019-09-17.

Conditions:
Koolen-de Vries syndrome (KDVS). Identifiers: Orphanet 96169, MedGen C1864871, MONDO:0012496, OMIM 610443.

Allele frequency attached by ClinVar (database versions not stated): gnomAD below 0.00001 and 0.00001; gnomAD exomes below 0.00001.
gnomAD v4.1: 2 of 1,614,014 alleles (0.00012%); highest among the groups gnomAD compares: South Asian, 0.0011%; no homozygotes.

Submissions (2):

Labcorp Genetics (formerly Invitae), Labcorp
Classification: Uncertain significance for Koolen-de Vries syndrome. Last evaluated: 2019-09-17. Review status: criteria provided, single submitter. Criteria: Invitae Variant Classification Sherloc (09022015). Collection method: clinical testing. Allele origin: germline.
Comment: In summary, the available evidence is currently insufficient to determine the role of this variant in disease. Therefore, it has been classified as a Variant of Uncertain Significance. Algorithms developed to predict the effect of missense changes on protein structure and function are either unavailable or do not agree on the potential impact of this missense change (SIFT: "Tolerated"; PolyPhen-2: "Probably Damaging"; Align-GVGD: "Class C0"). This variant has not been reported in the literature in individuals with KANSL1-related conditions. ClinVar contains an entry for this variant (Variation ID: 511985). This variant is not present in population databases (ExAC no frequency). This sequence change replaces lysine with arginine at codon 311 of the KANSL1 protein (p.Lys311Arg). The lysine residue is highly conserved and there is a small physicochemical difference between lysine and arginine.

GeneDx
Classification: Likely benign. Last evaluated: 2017-09-12. Review status: criteria provided, single submitter. Criteria: GeneDx Variant Classification (06012015). Collection method: clinical testing. Allele origin: germline. Affected: yes.
Comment: This variant is considered likely benign or benign based on one or more of the following criteria: it is a conservative change, it occurs at a poorly conserved position in the protein, it is predicted to be benign by multiple in silico algorithms, and/or has population frequency not consistent with disease.

NM_015443.4(KANSL1):c.932A>G (p.Lys311Arg)

Gene: KANSL1 (KAT8 regulatory NSL complex subunit 1). Cytogenetic location: 17q21.31.
Variant type: single nucleotide variant.
Coding change: c.932A>G on transcript NM_015443.4 (MANE Select); coding-DNA position 932, A replaced by G.
Protein change: p.Lys311Arg; replaces lysine 311 with arginine.
Molecular consequence: missense variant.
Genome position (GRCh38, 1-based): chr17:46,171,212, T>C on the plus strand (A>G on the coding strand, the complement: KANSL1 is on the minus strand). VCF-style: chr17-46171212-T-C. GRCh37 (hg19) VCF-style: chr17-44248578-T-C.
Other names: c.932A>G, p.Lys311Arg (NM_001193465.2, NM_001193466.2, NM_001379198.1); short protein forms K311R.
Identifiers: ClinVar variation 511985 (VCV000511985.10), dbSNP rs1555575305, ClinGen allele CA399980101.